The following is an entry in ClinVar:

NM_001267550.2(TTN):c.101473C>G (p.Leu33825Val)

Genes: TTN (titin; minus strand), TTN-AS1 (TTN antisense RNA 1; plus strand). Cytogenetic location: 2q31.2.
Variant type: single nucleotide variant.
Coding change: c.101473C>G on transcript NM_001267550.2 (MANE Select); coding-DNA position 101473, C replaced by G.
Protein change: p.Leu33825Val; replaces leucine 33825 with valine.
Molecular consequence: missense variant.
Genome position (GRCh38, 1-based): chr2:178,535,142, G>C on the plus strand (C>G on the coding strand, the complement: TTN is on the minus strand). VCF-style: chr2-178535142-G-C. GRCh37 (hg19) VCF-style: chr2-179399869-G-C.
Other names: c.93769C>G, p.Leu31257Val (NM_133378.4); c.74653C>G, p.Leu24885Val (NM_133432.3); c.74854C>G, p.Leu24952Val (NM_133437.4); c.96550C>G, p.Leu32184Val (NM_001256850.1); c.74278C>G, p.Leu24760Val (NM_003319.4); short protein forms L24760V, L24885V, L24952V, L31257V, L32184V, L33825V.
Identifiers: ClinVar variation 3759545 (VCV003759545.2).

ClinVar aggregate classification (germline): Uncertain significance (1 of 4 stars; one submission).

Conditions:
Dilated cardiomyopathy 1G (CMD1G). Identifiers: Orphanet 154, MedGen C1858763, MONDO:0011400, OMIM 604145.
Autosomal recessive limb-girdle muscular dystrophy type 2J (LGMDR10). Also called: Limb-girdle muscular dystrophy, type 2J; MUSCULAR DYSTROPHY, LIMB-GIRDLE, AUTOSOMAL RECESSIVE 10. Identifiers: Orphanet 140922, MedGen C1837342, MONDO:0012127, OMIM 608807.

Submission:

Labcorp Genetics (formerly Invitae), Labcorp
Classification: Uncertain significance for Dilated cardiomyopathy 1G; Autosomal recessive limb-girdle muscular dystrophy type 2J. Last evaluated: 2024-10-21. Review status: criteria provided, single submitter. Criteria: Invitae Variant Classification Sherloc (09022015). Collection method: clinical testing. Allele origin: germline.
Comment: This sequence change replaces leucine, which is neutral and non-polar, with valine, which is neutral and non-polar, at codon 33825 of the TTN protein (p.Leu33825Val). This variant is not present in population databases (gnomAD no frequency). This variant has not been reported in the literature in individuals affected with TTN-related conditions. Experimental studies and prediction algorithms are not available or were not evaluated, and the functional significance of this variant is currently unknown. This variant is located in the M band of TTN (PMID: 25589632). Non-truncating variants in this region may be relevant for neuromuscular disorders, but have not been definitively shown to cause cardiomyopathy (PMID: 23975875). In summary, the available evidence is currently insufficient to determine the role of this variant in disease. Therefore, it has been classified as a Variant of Uncertain Significance.

Literature cited by the submitters: PubMed 25589632; PubMed 23975875.